The following is an entry in ClinVar:

ClinVar aggregate classification (germline): Uncertain significance (1 of 4 stars; one submission).

Allele frequency attached by ClinVar (database versions not stated): TOPMed 0.00003; gnomAD 0.00004.

Submission:

Labcorp Genetics (formerly Invitae), Labcorp
Classification: Uncertain significance. Last evaluated: 2022-04-21. Review status: criteria provided, single submitter. Criteria: Invitae Variant Classification Sherloc (09022015). Collection method: clinical testing. Allele origin: germline.
Comment: Algorithms developed to predict the effect of missense changes on protein structure and function are either unavailable or do not agree on the potential impact of this missense change (SIFT: "Deleterious"; PolyPhen-2: "Probably Damaging"; Align-GVGD: "Class C0"). In summary, the available evidence is currently insufficient to determine the role of this variant in disease. Therefore, it has been classified as a Variant of Uncertain Significance. This sequence change replaces arginine, which is basic and polar, with cysteine, which is neutral and slightly polar, at codon 96 of the PARS2 protein (p.Arg96Cys). This variant is present in population databases (rs760386698, gnomAD 0.007%). This variant has not been reported in the literature in individuals affected with PARS2-related conditions.

NM_152268.4(PARS2):c.286C>T (p.Arg96Cys)

Gene: PARS2 (prolyl-tRNA synthetase 2, mitochondrial; minus strand). Cytogenetic location: 1p32.3.
Variant type: single nucleotide variant.
Coding change: c.286C>T on transcript NM_152268.4 (MANE Select); coding-DNA position 286, C replaced by T.
Protein change: p.Arg96Cys; replaces arginine 96 with cysteine.
Molecular consequence: missense variant.
Genome position (GRCh38, 1-based): chr1:54,758,876, G>A on the plus strand (C>T on the coding strand, the complement: PARS2 is on the minus strand). VCF-style: chr1-54758876-G-A. GRCh37 (hg19) VCF-style: chr1-55224549-G-A.
Other names: short protein forms R96C.
Identifiers: ClinVar variation 1941681 (VCV001941681.5), dbSNP rs760386698, ClinGen allele CA869513.